The following is an entry in ClinVar:

ClinVar aggregate classification (germline): Uncertain significance (1 of 4 stars; one submission).

Submission:

Labcorp Genetics (formerly Invitae), Labcorp
Classification: Uncertain significance. Last evaluated: 2025-08-15. Review status: criteria provided, single submitter. Criteria: Invitae Variant Classification Sherloc (09022015). Collection method: clinical testing. Allele origin: germline.
Comment: This sequence change replaces isoleucine, which is neutral and non-polar, with valine, which is neutral and non-polar, at codon 1982 of the POLE protein (p.Ile1982Val). This variant is not present in population databases (gnomAD no frequency). This variant has not been reported in the literature in individuals affected with POLE-related conditions. Invitae Evidence Modeling of protein sequence and biophysical properties (such as structural, functional, and spatial information, amino acid conservation, physicochemical variation, residue mobility, and thermodynamic stability) indicates that this missense variant is not expected to disrupt POLE protein function with a negative predictive value of 80%. In summary, the available evidence is currently insufficient to determine the role of this variant in disease. Therefore, it has been classified as a Variant of Uncertain Significance.

NM_006231.4(POLE):c.5944A>G (p.Ile1982Val)

Gene: POLE (DNA polymerase epsilon, catalytic subunit; minus strand). Cytogenetic location: 12q24.33.
Variant type: single nucleotide variant.
Coding change: c.5944A>G on transcript NM_006231.4 (MANE Select); coding-DNA position 5944, A replaced by G.
Protein change: p.Ile1982Val; replaces isoleucine 1982 with valine.
Molecular consequence: missense variant.
Genome position (GRCh38, 1-based): chr12:132,634,246, T>C on the plus strand (A>G on the coding strand, the complement: POLE is on the minus strand). VCF-style: chr12-132634246-T-C. GRCh37 (hg19) VCF-style: chr12-133210832-T-C.
Other names: short protein forms I1982V.
Identifiers: ClinVar variation 4700135 (VCV004700135.1).
Genomic context (GRCh38, chr12:132,634,246, plus strand): 5'-CTGAAACAATCATGAGGAAGTAGTTCTGGCAGGAGGCTGCCTGTGGCAAAAACTGCAAAA[T>C]GTTCCAGTTGTTTTCCAGTAAATCCTCCACGTTGGATTCCTCCGCCTCTTCCTCCTCCTC-3'
Protein context (NP_006222.2, residues 1972-1992): VEDLLENNWN[Ile1982Val]LQFLPQAASC